The following is an entry in ClinVar:

ClinVar aggregate classification (germline): Uncertain significance (1 of 4 stars; one submission).

Submission:

GeneDx
Classification: Uncertain significance. Last evaluated: 2024-08-24. Review status: criteria provided, single submitter. Criteria: GeneDx Variant Classification Process June 2021. Collection method: clinical testing. Allele origin: germline. Affected: yes.
Comment: Not observed at significant frequency in large population cohorts (gnomAD); In silico analysis indicates that this missense variant does not alter protein structure/function; Has not been previously published as pathogenic or benign to our knowledge

NM_005334.3(HCFC1):c.3527C>T (p.Thr1176Ile)

Gene: HCFC1 (host cell factor C1; minus strand). Cytogenetic location: Xq28.
Variant type: single nucleotide variant.
Coding change: c.3527C>T on transcript NM_005334.3 (MANE Select); coding-DNA position 3527, C replaced by T.
Protein change: p.Thr1176Ile; replaces threonine 1176 with isoleucine.
Molecular consequence: missense variant.
Genome position (GRCh38, 1-based): chrX:153,954,872, G>A on the plus strand (C>T on the coding strand, the complement: HCFC1 is on the minus strand). VCF-style: chrX-153954872-G-A. GRCh37 (hg19) VCF-style: chrX-153220323-G-A.
Other names: c.3527C>T, p.Thr1176Ile (NM_001410705.1); short protein forms T1176I.
Identifiers: ClinVar variation 3766212 (VCV003766212.1).